The following is an entry in ClinVar:

ClinVar aggregate classification (germline): Uncertain significance (1 of 4 stars; one submission).

gnomAD v4.1: 2 of 1,554,368 alleles (0.00013%); highest among the groups gnomAD compares: Non-Finnish European, 0.00017%; no homozygotes.

Submission:

Labcorp Genetics (formerly Invitae), Labcorp
Classification: Uncertain significance. Last evaluated: 2025-08-24. Review status: criteria provided, single submitter. Criteria: Invitae Variant Classification Sherloc (09022015). Collection method: clinical testing. Allele origin: germline.
Comment: This sequence change replaces glutamine, which is neutral and polar, with glutamic acid, which is acidic and polar, at codon 125 of the ARIH1 protein (p.Gln125Glu). This variant is not present in population databases (gnomAD no frequency). This variant has not been reported in the literature in individuals affected with ARIH1-related conditions. ClinVar contains an entry for this variant (Variation ID: 3619687). An algorithm developed to predict the effect of missense changes on protein structure and function (PolyPhen-2) suggests that this variant is likely to be tolerated. In summary, the available evidence is currently insufficient to determine the role of this variant in disease. Therefore, it has been classified as a Variant of Uncertain Significance.

NM_005744.5(ARIH1):c.373C>G (p.Gln125Glu)

Gene: ARIH1 (ariadne RBR E3 ubiquitin protein ligase 1; plus strand). Cytogenetic location: 15q24.1.
Variant type: single nucleotide variant.
Coding change: c.373C>G on transcript NM_005744.5 (MANE Select); coding-DNA position 373, C replaced by G.
Protein change: p.Gln125Glu; replaces glutamine 125 with glutamic acid.
Molecular consequence: missense variant.
Genome position (GRCh38, 1-based): chr15:72,475,012, C>G. VCF-style: chr15-72475012-C-G. GRCh37 (hg19) VCF-style: chr15-72767353-C-G.
Other names: short protein forms Q125E.
Identifiers: ClinVar variation 3619687 (VCV003619687.2).